The following is an entry in ClinVar:

ClinVar aggregate classification (germline): Pathogenic (1 of 4 stars; one submission).

Conditions:
Neurodevelopmental disorder. Identifiers: MedGen C1535926, MeSH D065886, MONDO:0700092.

Submission:

Victorian Clinical Genetics Services, Murdoch Childrens Research Institute
Classification: Pathogenic for Neurodevelopmental disorder. Last evaluated: 2022-09-02. Review status: criteria provided, single submitter. Criteria: ACMG Guidelines, 2015. Collection method: clinical testing. Allele origin: germline. Inheritance: Autosomal dominant inheritance. Affected: yes.
Comment: Based on the classification scheme VCGS_Germline_v1.3.4, this variant is classified as Pathogenic. Following criteria are met: 0102 - Loss of function is a likely mechanism of disease in this gene and is associated with neurodevelopmental disorder (MONDO:0700092), ATP2B1-related (PMID: 35358416). (I) 0107 - This gene is associated with autosomal dominant disease. (I) 0201 - Variant is predicted to cause nonsense-mediated decay (NMD) and loss of protein (premature termination codon is located at least 54 nucleotides upstream of the final exon-exon junction). (SP) 0251 - This variant is heterozygous. (I) 0301 - Variant is absent from gnomAD (both v2 and v3). (SP) 0702 - Other NMD-predicted variants comparable to the one identified in this case have strong previous evidence for pathogenicity. These variants have been reported in individuals with neurodevelopmental delay and developmental disorders, where most were shown to be de novo (PMID: 35358416, PMID: 33057194). (SP) 0807 - This variant has no previous evidence of pathogenicity. (I) 0905 - No published segregation evidence has been identified for this variant. (I) 1007 - No published functional evidence has been identified for this variant. (I) Legend: (SP) - Supporting pathogenic, (I) - Information, (SB) - Supporting benign

Literature cited by the submitters: PubMed 33057194; PubMed 35358416.

NM_001366521.1(ATP2B1):c.658del (p.Tyr220fs)

Gene: ATP2B1 (ATPase plasma membrane Ca2+ transporting 1; minus strand). Cytogenetic location: 12q21.33.
Variant type: Deletion.
Coding change: c.658del on transcript NM_001366521.1 (MANE Select); coding-DNA position 658, one base deleted (T; older notation c.658delT).
Protein change: p.Tyr220fs; shifts the reading frame from tyrosine 220.
Molecular consequence: frameshift variant. On other transcripts: non-coding transcript variant (3), intron variant (7).
Genome position (GRCh38, 1-based): chr12:89,635,000, A deleted on the plus strand (T on the coding strand, the reverse complement: ATP2B1 is on the minus strand). VCF-style (leftmost placement, unchanged base first): chr12-89634999-TA-T. GRCh37 (hg19) VCF-style: chr12-90028776-TA-T.
Other names: c.658del, p.Tyr220fs (NM_001001323.2, NM_001366520.1, NM_001366522.1 and 17 more transcripts); c.460del, p.Tyr154fs (NM_001366530.1, NM_001413053.1); c.406+7158del (NM_001413060.1, NM_001366531.1, NM_001413058.1 and 2 more transcripts); c.407-97del (NM_001413056.1); c.209-97del (NM_001413057.1); short protein forms Y154fs, Y220fs.
Identifiers: ClinVar variation 3376629 (VCV003376629.1).
Genomic context (GRCh38, chr12:89,634,999, plus strand): 5'-CAAGATTACAGTAATTTTATGTTTAGTGTCAGATGTACTGCTCTTTTTACTTACTTACCA[TA>T]TTTCACTTGAGCAATATCTCCAACAGTAATGTCAGCTACAGGTATCTGAATGACCTGACC-3'